The following is an entry in ClinVar:

NM_001042492.3(NF1):c.4666G>T (p.Asp1556Tyr)

Gene: NF1 (neurofibromin 1; plus strand). Cytogenetic location: 17q11.2.
Variant type: single nucleotide variant.
Coding change: c.4666G>T on transcript NM_001042492.3 (MANE Select); coding-DNA position 4666, G replaced by T.
Protein change: p.Asp1556Tyr; replaces aspartic acid 1556 with tyrosine.
Molecular consequence: missense variant.
Genome position (GRCh38, 1-based): chr17:31,261,799, G>T. VCF-style: chr17-31261799-G-T. GRCh37 (hg19) VCF-style: chr17-29588817-G-T.
Other names: c.4603G>T, p.Asp1535Tyr (NM_000267.4); short protein forms D1535Y, D1556Y.
Identifiers: ClinVar variation 4737042 (VCV004737042.1).

ClinVar aggregate classification (germline): Uncertain significance (1 of 4 stars; one submission).

Conditions:
Neurofibromatosis, type 1 (NF1). Also called: VON RECKLINGHAUSEN DISEASE; Peripheral type neurofibromatosis; NEUROFIBROMATOSIS, TYPE I, SOMATIC; Neurofibromatosis, type I. Identifiers: Orphanet 636, MedGen C0027831, MONDO:0018975, OMIM 162200. Disease mechanism: loss of function.

Submission:

Labcorp Genetics (formerly Invitae), Labcorp
Classification: Uncertain significance for Neurofibromatosis, type 1. Last evaluated: 2025-11-12. Review status: criteria provided, single submitter. Criteria: Invitae Variant Classification Sherloc (09022015). Collection method: clinical testing. Allele origin: germline.
Comment: This sequence change replaces aspartic acid, which is acidic and polar, with tyrosine, which is neutral and polar, at codon 1535 of the NF1 protein (p.Asp1535Tyr). This variant is not present in population databases (gnomAD no frequency). This variant has not been reported in the literature in individuals affected with NF1-related conditions. Invitae Evidence Modeling of protein sequence and biophysical properties (such as structural, functional, and spatial information, amino acid conservation, physicochemical variation, residue mobility, and thermodynamic stability) has been performed for this missense variant. However, the output from this modeling did not meet the statistical confidence thresholds required to predict the impact of this variant on NF1 protein function. Algorithms developed to predict the effect of sequence changes on RNA splicing suggest that this variant may disrupt the consensus splice site. In summary, the available evidence is currently insufficient to determine the role of this variant in disease. Therefore, it has been classified as a Variant of Uncertain Significance.